The following is an entry in ClinVar:

NM_001754.5(RUNX1):c.938T>G (p.Leu313Arg)

Gene: RUNX1 (RUNX family transcription factor 1; minus strand). Cytogenetic location: 21q22.12.
Variant type: single nucleotide variant.
Coding change: c.938T>G on transcript NM_001754.5 (MANE Select); coding-DNA position 938, T replaced by G.
Protein change: p.Leu313Arg; replaces leucine 313 with arginine.
Molecular consequence: missense variant.
Genome position (GRCh38, 1-based): chr21:34,799,330, A>C on the plus strand (T>G on the coding strand, the complement: RUNX1 is on the minus strand). VCF-style: chr21-34799330-A-C. GRCh37 (hg19) VCF-style: chr21-36171627-A-C.
Other names: NM_001754.5(RUNX1):c.938T>G; p.Leu313Arg; c.857T>G, p.Leu286Arg (NM_001001890.3); short protein forms L313R, L286R.
Identifiers: ClinVar variation 239058 (VCV000239058.12), dbSNP rs766264813, ClinGen allele CA10014265.

ClinVar aggregate classification (germline): Uncertain significance. Review status: reviewed by expert panel (3 of 4 stars). 3 submissions from 3 submitters: Uncertain significance (1). 2 of the submissions do not count toward it. Last evaluated 2025-01-15.

Conditions:
Hereditary thrombocytopenia and hematologic cancer predisposition syndrome. Identifiers: Orphanet 71290, MedGen CN281654, MONDO:0011071.
Inborn genetic diseases. Identifiers: MedGen C0950123, MeSH D030342.
Hereditary thrombocytopenia and hematological cancer predisposition syndrome associated with RUNX1. Also called: Familial Platelet Disorder with Propensity to Acute Myelogenous Leukemia; Familial thrombocytopenia with propensity to acute myelogenous leukemia; PLATELET DISORDER, ASPIRIN-LIKE; RUNX1 Familial Platelet Disorder with Associated Myeloid Malignancies. Identifiers: Orphanet 71290, MedGen C1832388, MeSH C563324, MONDO:0100083, OMIM 601399.

Allele frequency attached by ClinVar (database versions not stated): gnomAD 0.00002; gnomAD exomes below 0.00001; ExAC 0.00001; TOPMed 0.00001.
gnomAD v4.1: 4 of 1,614,020 alleles (0.00025%); highest among the groups gnomAD compares: African/African-American, 0.0053%; no homozygotes.

Submissions (3):

ClinGen Myeloid Malignancy Variant Curation Expert Panel
Classification: Uncertain significance for Hereditary thrombocytopenia and hematologic cancer predisposition syndrome. Last evaluated: 2025-01-15. Review status: reviewed by expert panel. Criteria: ClinGen MyeloMalig ACMG Specifications v2. Collection method: curation. Allele origin: germline. Inheritance: Autosomal dominant inheritance.
Comment: NM_001754.5(RUNX1):c.938T>G (p.Leu313Arg) is a missense variant. This missense variant has a REVEL score <0.50 (0.202) (BP4) and SpliceAI ≤0.20 (0.01 -29bp Donor Gain). In summary, the clinical significance of this variant is uncertain. ACMG/AMP criteria applied, as specified by the Myeloid Malignancy Variant Curation Expert Panel for RUNX1: BP4.

Ambry Genetics
Classification: Uncertain significance for Inborn genetic diseases. Last evaluated: 2025-01-31. Review status: criteria provided, single submitter. Criteria: Ambry Variant Classification Scheme 2023. Collection method: clinical testing. Allele origin: germline. Not counted in ClinVar's aggregate classification.
Comment: The p.L313R variant (also known as c.938T>G), located in coding exon 7 of the RUNX1 gene, results from a T to G substitution at nucleotide position 938. The leucine at codon 313 is replaced by arginine, an amino acid with dissimilar properties. This amino acid position is conserved. In addition, the in silico prediction for this alteration is inconclusive. Based on the available evidence, the clinical significance of this variant remains unclear.

Labcorp Genetics (formerly Invitae), Labcorp
Classification: Uncertain significance for Hereditary thrombocytopenia and hematological cancer predisposition syndrome associated with RUNX1. Last evaluated: 2023-11-25. Review status: criteria provided, single submitter. Criteria: Invitae Variant Classification Sherloc (09022015). Collection method: clinical testing. Allele origin: germline. Not counted in ClinVar's aggregate classification.
Comment: This sequence change replaces leucine, which is neutral and non-polar, with arginine, which is basic and polar, at codon 313 of the RUNX1 protein (p.Leu313Arg). This variant is present in population databases (rs766264813, gnomAD 0.01%). This variant has not been reported in the literature in individuals affected with RUNX1-related conditions. ClinVar contains an entry for this variant (Variation ID: 239058). Advanced modeling of protein sequence and biophysical properties (such as structural, functional, and spatial information, amino acid conservation, physicochemical variation, residue mobility, and thermodynamic stability) performed at Invitae indicates that this missense variant is not expected to disrupt RUNX1 protein function with a negative predictive value of 80%. In summary, the available evidence is currently insufficient to determine the role of this variant in disease. Therefore, it has been classified as a Variant of Uncertain Significance.